The following is an entry in ClinVar:

NM_020433.5(JPH2):c.922C>T (p.Arg308Cys)

Gene: JPH2 (junctophilin 2; minus strand). Cytogenetic location: 20q13.12.
Variant type: single nucleotide variant.
Coding change: c.922C>T on transcript NM_020433.5 (MANE Select); coding-DNA position 922, C replaced by T.
Protein change: p.Arg308Cys; replaces arginine 308 with cysteine.
Molecular consequence: missense variant.
Genome position (GRCh38, 1-based): chr20:44,159,865, G>A on the plus strand (C>T on the coding strand, the complement: JPH2 is on the minus strand). VCF-style: chr20-44159865-G-A. GRCh37 (hg19) VCF-style: chr20-42788505-G-A.
Other names: short protein forms R308C.
Identifiers: ClinVar variation 4824649 (VCV004824649.1).
Genomic context (GRCh38, chr20:44,159,865, plus strand): 5'-AGCCATAGCCGTGGCGCAGGTTGTCCAGCCACTCGCCCTCGTAGCGGAGGCCACTGGAGC[G>A]TTCGCTCACGCCGAAGCCCGAGCGTTTGTCGTTCTTCCACTCGCCCATGTAGGTCTCGGT-3'
Protein context (NP_065166.2, residues 298-318): DKRSGFGVSE[Arg308Cys]SSGLRYEGEW

ClinVar aggregate classification (germline): Uncertain significance (1 of 4 stars; one submission).

Conditions:
Cardiovascular phenotype. Identifiers: MedGen CN230736.

gnomAD v4.1: 1 of 1,613,490 alleles (0.000062%); highest among the groups gnomAD compares: South Asian, 0.0011%; no homozygotes.

Submission:

Ambry Genetics
Classification: Uncertain significance for Cardiovascular phenotype. Last evaluated: 2026-02-15. Review status: criteria provided, single submitter. Criteria: Ambry Variant Classification Scheme 2023. Collection method: clinical testing. Allele origin: germline.
Comment: The p.R308C variant (also known as c.922C>T), located in coding exon 2 of the JPH2 gene, results from a C to T substitution at nucleotide position 922. The arginine at codon 308 is replaced by cysteine, an amino acid with highly dissimilar properties. This amino acid position is conserved. In addition, the in silico prediction for this alteration is inconclusive. Based on the available evidence, the clinical significance of this variant remains unclear.